The following is an entry in ClinVar:

NM_032620.4(GTPBP3):c.1135C>G (p.Leu379Val)

Gene: GTPBP3 (GTP binding protein 3, mitochondrial; plus strand). Cytogenetic location: 19p13.11.
Variant type: single nucleotide variant.
Coding change: c.1135C>G on transcript NM_032620.4 (MANE Select); coding-DNA position 1135, C replaced by G.
Protein change: p.Leu379Val; replaces leucine 379 with valine.
Molecular consequence: missense variant.
Genome position (GRCh38, 1-based): chr19:17,341,204, C>G. VCF-style: chr19-17341204-C-G. GRCh37 (hg19) VCF-style: chr19-17452013-C-G.
Other names: c.1072C>G, p.Leu358Val (NM_001128855.3); c.1201C>G, p.Leu401Val (NM_001195422.1); c.1231C>G, p.Leu411Val (NM_133644.4); short protein forms L401V, L358V, L379V, L411V.
Identifiers: ClinVar variation 1483711 (VCV001483711.5), dbSNP rs1355384462, ClinGen allele CA404738874.
Genomic context (GRCh38, chr19:17,341,204, plus strand): 5'-GCCCAGAGCCCCAGTGACAGCAGCCAGCGCCTCCTCCTGGTGCTGAACAAGTCGGACCTG[C>G]TGTCCCCGGAGGGCCCAGGTCCCGGTCCTGACCTGCCCCCGCACCTGCTGCTGTCCTGTC-3'
Protein context (NP_116009.2, residues 369-389): LLLVLNKSDL[Leu379Val]SPEGPGPGPD

ClinVar aggregate classification (germline): Uncertain significance (1 of 4 stars; one submission).

Allele frequency attached by ClinVar (database versions not stated): gnomAD exomes below 0.00001; TOPMed below 0.00001.
gnomAD v4.1: 1 of 1,610,498 alleles (0.000062%); highest among the groups gnomAD compares: Admixed American, 0.0017%; no homozygotes.

Submission:

Labcorp Genetics (formerly Invitae), Labcorp
Classification: Uncertain significance. Last evaluated: 2022-05-03. Review status: criteria provided, single submitter. Criteria: Invitae Variant Classification Sherloc (09022015). Collection method: clinical testing. Allele origin: germline.
Comment: This sequence change replaces leucine, which is neutral and non-polar, with valine, which is neutral and non-polar, at codon 411 of the GTPBP3 protein (p.Leu411Val). This variant is present in population databases (no rsID available, gnomAD 0.003%). This variant has not been reported in the literature in individuals affected with GTPBP3-related conditions. Algorithms developed to predict the effect of missense changes on protein structure and function are either unavailable or do not agree on the potential impact of this missense change (SIFT: "Tolerated"; PolyPhen-2: "Possibly Damaging"; Align-GVGD: "Class C0"). In summary, the available evidence is currently insufficient to determine the role of this variant in disease. Therefore, it has been classified as a Variant of Uncertain Significance.